The following is an entry in ClinVar:

NM_001363118.2(SLC52A2):c.1137G>C (p.Trp379Cys)

Gene: SLC52A2 (solute carrier family 52 member 2; plus strand). Cytogenetic location: 8q24.3.
Variant type: single nucleotide variant.
Coding change: c.1137G>C on transcript NM_001363118.2 (MANE Select); coding-DNA position 1137, G replaced by C.
Protein change: p.Trp379Cys; replaces tryptophan 379 with cysteine.
Molecular consequence: missense variant. On other transcripts: non-coding transcript variant (1).
Genome position (GRCh38, 1-based): chr8:144,360,814, G>C. VCF-style: chr8-144360814-G-C. GRCh37 (hg19) VCF-style: chr8-145584474-G-C.
Other names: c.1137G>C, p.Trp379Cys (NM_001253815.2, NM_001253816.2, NM_001363120.2 and 2 more transcripts); c.645G>C, p.Trp215Cys (NM_001363122.2); short protein forms W215C, W379C.
Identifiers: ClinVar variation 843750 (VCV000843750.4), dbSNP rs782764685, ClinGen allele CA4938413.

ClinVar aggregate classification (germline): Uncertain significance (1 of 4 stars; one submission).

Conditions:
Brown-Vialetto-van Laere syndrome 2. Also called: SPINOCEREBELLAR ATAXIA WITH BLINDNESS AND DEAFNESS 2; Riboflavin transporter deficiency type 2. Identifiers: Orphanet 572543, Orphanet 97229, MedGen C3553538, MONDO:0013867, OMIM 614707.

Allele frequency attached by ClinVar (database versions not stated): gnomAD exomes 0.00001; ExAC 0.00001.

Submission:

Labcorp Genetics (formerly Invitae), Labcorp
Classification: Uncertain significance for Brown-Vialetto-van Laere syndrome 2. Last evaluated: 2021-09-01. Review status: criteria provided, single submitter. Criteria: Invitae Variant Classification Sherloc (09022015). Collection method: clinical testing. Allele origin: germline.
Comment: This sequence change replaces tryptophan with cysteine at codon 379 of the SLC52A2 protein (p.Trp379Cys). The tryptophan residue is highly conserved and there is a large physicochemical difference between tryptophan and cysteine. This variant is present in population databases (rs782764685, ExAC 0.002%). This variant has not been reported in the literature in individuals affected with SLC52A2-related conditions. Algorithms developed to predict the effect of missense changes on protein structure and function are either unavailable or do not agree on the potential impact of this missense change (SIFT: "Tolerated"; PolyPhen-2: "Probably Damaging"; Align-GVGD: "Class C0"). In summary, the available evidence is currently insufficient to determine the role of this variant in disease. Therefore, it has been classified as a Variant of Uncertain Significance.